The following is an entry in ClinVar:

ClinVar aggregate classification (germline): Pathogenic (1 of 4 stars; one submission).

Conditions:
Gorlin syndrome. Also called: Basal cell nevus syndrome; Nevoid Basal Cell Carcinoma Syndrome. Identifiers: Orphanet 377, MedGen C0004779, MONDO:0007187.

Submission:

Labcorp Genetics (formerly Invitae), Labcorp
Classification: Pathogenic for Gorlin syndrome. Last evaluated: 2018-05-07. Review status: criteria provided, single submitter. Criteria: Invitae Variant Classification Sherloc (09022015). Collection method: clinical testing. Allele origin: germline.
Comment: For these reasons, this variant has been classified as Pathogenic. Loss-of-function variants in PTCH1 are known to be pathogenic (PMID: 16301862, 16419085). This variant has not been reported in the literature in individuals with PTCH1-related disease. This sequence change creates a premature translational stop signal (p.Glu397Alafs*37) in the PTCH1 gene. It is expected to result in an absent or disrupted protein product.

Literature cited by the submitters: PubMed 16301862; PubMed 16419085.

NM_000264.5(PTCH1):c.1190_1197del (p.Glu397fs)

Gene: PTCH1 (patched 1; minus strand). Cytogenetic location: 9q22.32.
Variant type: Deletion.
Coding change: c.1190_1197del on transcript NM_000264.5 (MANE Select); coding-DNA positions 1190 to 1197, 8 bases deleted (AGGCCTGG; older notation c.1190_1197delAGGCCTGG).
Protein change: p.Glu397fs; shifts the reading frame from glutamic acid 397.
Molecular consequence: frameshift variant. On other transcripts: non-coding transcript variant (1).
Genome position (GRCh38, 1-based): chr9:95,479,018-95,479,025, CCAGGCCT deleted on the plus strand (AGGCCTGG on the coding strand, the reverse complement: PTCH1 is on the minus strand); deleting any 8 consecutive bases within chr9:95,479,018-95,479,030 gives the same sequence; the c. name uses the placement nearest the transcript's 3' end. VCF-style (leftmost placement, unchanged base first): chr9-95479017-GCCAGGCCT-G. GRCh37 (hg19) VCF-style: chr9-98241299-GCCAGGCCT-G.
Other names: c.992_999del, p.Glu331fs (NM_001083602.3); c.1187_1194del, p.Glu396fs (NM_001083603.3); c.737_744del, p.Glu246fs (NM_001083604.3, NM_001083605.3, NM_001083606.3 and 1 more transcripts); c.1190_1197del, p.Glu397fs (NM_001354918.2); short protein forms E246fs, E397fs, E396fs, E331fs.
Identifiers: ClinVar variation 575234 (VCV000575234.7), dbSNP rs1564053040, ClinGen allele CA891843142.